The following is an entry in ClinVar:

NM_001369.3(DNAH5):c.13385T>C (p.Ile4462Thr)

Gene: DNAH5 (dynein axonemal heavy chain 5; minus strand). Cytogenetic location: 5p15.2.
Variant type: single nucleotide variant.
Coding change: c.13385T>C on transcript NM_001369.3 (MANE Select); coding-DNA position 13385, T replaced by C.
Protein change: p.Ile4462Thr; replaces isoleucine 4462 with threonine.
Molecular consequence: missense variant.
Genome position (GRCh38, 1-based): chr5:13,701,390, A>G on the plus strand (T>C on the coding strand, the complement: DNAH5 is on the minus strand). VCF-style: chr5-13701390-A-G. GRCh37 (hg19) VCF-style: chr5-13701499-A-G.
Other names: short protein forms I4462T.
Identifiers: ClinVar variation 1770277 (VCV001770277.5), dbSNP rs750565633, ClinGen allele CA3201377.

ClinVar aggregate classification (germline): Conflicting classifications of pathogenicity. Review status: criteria provided, conflicting classifications (1 of 4 stars). 2 submissions from 2 submitters: Uncertain significance (1); Likely benign (1). Last evaluated 2024-03-04.

Conditions:
Primary ciliary dyskinesia. Also called: Ciliary dyskinesia. Identifiers: Orphanet 244, MedGen C0008780, MONDO:0016575, HP:0012265.

Allele frequency attached by ClinVar (database versions not stated): gnomAD exomes 0.00001; ExAC 0.00002.
gnomAD v4.1: 16 of 1,614,004 alleles (0.00099%); highest among the groups gnomAD compares: South Asian, 0.011%; no homozygotes.

Submissions (2):

Labcorp Genetics (formerly Invitae), Labcorp
Classification: Likely benign for Primary ciliary dyskinesia. Last evaluated: 2024-03-04. Review status: criteria provided, single submitter. Criteria: Invitae Variant Classification Sherloc (09022015). Collection method: clinical testing. Allele origin: germline.

Ambry Genetics
Classification: Uncertain significance for Primary ciliary dyskinesia. Last evaluated: 2017-03-30. Review status: criteria provided, single submitter. Criteria: Ambry Variant Classification Scheme 2023. Collection method: clinical testing. Allele origin: germline.
Comment: The p.I4462T variant (also known as c.13385T>C), located in coding exon 77 of the DNAH5 gene, results from a T to C substitution at nucleotide position 13385. The isoleucine at codon 4462 is replaced by threonine, an amino acid with similar properties. This amino acid position is poorly conserved in available vertebrate species. In addition, this alteration is predicted to be tolerated by in silico analysis. Since supporting evidence is limited at this time, the clinical significance of this alteration remains unclear.